The following is an entry in ClinVar:

ClinVar aggregate classification (germline): Uncertain significance. Review status: criteria provided, multiple submitters, no conflicts (2 of 4 stars). 2 submissions from 2 submitters: Uncertain significance (2). Last evaluated 2022-03-13.

Allele frequency attached by ClinVar (database versions not stated): gnomAD exomes 0.00001 and 0.00004; TOPMed 0.00006; ExAC 0.00007; gnomAD 0.00007 and 0.00009; ESP Exome Variant Server 0.00008; 1000 Genomes Project 30x 0.00031; 1000 Genomes Project 0.00040.
gnomAD v4.1: 26 of 1,613,614 alleles (0.0016%); highest among the groups gnomAD compares: Middle Eastern, 0.067%; 1 homozygote.

Submissions (2):

Labcorp Genetics (formerly Invitae), Labcorp
Classification: Uncertain significance. Last evaluated: 2022-03-13. Review status: criteria provided, single submitter. Criteria: Invitae Variant Classification Sherloc (09022015). Collection method: clinical testing. Allele origin: germline.
Comment: Algorithms developed to predict the effect of missense changes on protein structure and function are either unavailable or do not agree on the potential impact of this missense change (SIFT: "Deleterious"; PolyPhen-2: "Possibly Damaging"; Align-GVGD: "Class C0"). This variant has not been reported in the literature in individuals affected with DNAH9-related conditions. This variant is present in population databases (rs369619985, gnomAD 0.04%), including at least one homozygous and/or hemizygous individual. This sequence change replaces valine, which is neutral and non-polar, with alanine, which is neutral and non-polar, at codon 221 of the DNAH9 protein (p.Val221Ala). In summary, the available evidence is currently insufficient to determine the role of this variant in disease. Therefore, it has been classified as a Variant of Uncertain Significance.

Breakthrough Genomics
Classification: Uncertain significance. Review status: criteria provided, single submitter. Criteria: ACMG Guidelines, 2015. Collection method: not provided. Allele origin: germline. Inheritance: Autosomal recessive inheritance. Affected: yes.

NM_001372.4(DNAH9):c.662T>C (p.Val221Ala)

Gene: DNAH9 (dynein axonemal heavy chain 9; plus strand). Cytogenetic location: 17p12.
Variant type: single nucleotide variant.
Coding change: c.662T>C on transcript NM_001372.4 (MANE Select); coding-DNA position 662, T replaced by C.
Protein change: p.Val221Ala; replaces valine 221 with alanine.
Molecular consequence: missense variant.
Genome position (GRCh38, 1-based): chr17:11,610,443, T>C. VCF-style: chr17-11610443-T-C. GRCh37 (hg19) VCF-style: chr17-11513760-T-C.
Other names: short protein forms V221A.
Identifiers: ClinVar variation 1460619 (VCV001460619.9), dbSNP rs369619985, ClinGen allele CA8394617.